The following is an entry in ClinVar:

ClinVar aggregate classification (germline): Conflicting classifications of pathogenicity. Review status: criteria provided, conflicting classifications (1 of 4 stars). 3 submissions from 3 submitters: Uncertain significance (2); Likely benign (1). Last evaluated 2025-07-07.

Conditions:
Inborn genetic diseases. Identifiers: MedGen C0950123, MeSH D030342.

Allele frequency attached by ClinVar (database versions not stated): ESP Exome Variant Server 0.00038; gnomAD 0.00042 and 0.00046; 1000 Genomes Project 30x 0.00047; 1000 Genomes Project 0.00060; TOPMed 0.00067.
gnomAD v4.1: 141 of 1,613,962 alleles (0.0087%); highest among the groups gnomAD compares: African/African-American, 0.15%; no homozygotes.

Submissions (3):

Labcorp Genetics (formerly Invitae), Labcorp
Classification: Uncertain significance. Last evaluated: 2025-07-07. Review status: criteria provided, single submitter. Criteria: Invitae Variant Classification Sherloc (09022015). Collection method: clinical testing. Allele origin: germline.
Comment: This sequence change replaces serine, which is neutral and polar, with arginine, which is basic and polar, at codon 4342 of the ANK3 protein (p.Ser4342Arg). This variant is present in population databases (rs148498212, gnomAD 0.1%). This variant has not been reported in the literature in individuals affected with ANK3-related conditions. ClinVar contains an entry for this variant (Variation ID: 210145). An algorithm developed to predict the effect of missense changes on protein structure and function (PolyPhen-2) suggests that this variant is likely to be tolerated. In summary, the available evidence is currently insufficient to determine the role of this variant in disease. Therefore, it has been classified as a Variant of Uncertain Significance.

Ambry Genetics
Classification: Likely benign for Inborn genetic diseases. Last evaluated: 2023-06-22. Review status: criteria provided, single submitter. Criteria: Ambry Variant Classification Scheme 2023. Collection method: clinical testing. Allele origin: germline.

Genetic Services Laboratory, University of Chicago
Classification: Uncertain significance. Last evaluated: 2014-05-09. Review status: criteria provided, single submitter. Criteria: ACMG Guidelines, 2015. Collection method: clinical testing. Allele origin: germline.

NM_020987.5(ANK3):c.13026C>A (p.Ser4342Arg)

Gene: ANK3 (ankyrin 3; minus strand). Cytogenetic location: 10q21.2.
Variant type: single nucleotide variant.
Coding change: c.13026C>A on transcript NM_020987.5 (MANE Select); coding-DNA position 13026, C replaced by A.
Protein change: p.Ser4342Arg; replaces serine 4342 with arginine.
Molecular consequence: missense variant.
Genome position (GRCh38, 1-based): chr10:60,055,697, G>T on the plus strand (C>A on the coding strand, the complement: ANK3 is on the minus strand). VCF-style: chr10-60055697-G-T. GRCh37 (hg19) VCF-style: chr10-61815455-G-T.
Other names: c.2898C>A, p.Ser966Arg (NM_001149.4); c.5478C>A, p.Ser1826Arg (NM_001204403.2); c.5499C>A, p.Ser1833Arg (NM_001204404.2); c.5496C>A, p.Ser1832Arg (NM_001320874.2); short protein forms S1826R, S4342R, S1832R, S1833R, S966R.
Identifiers: ClinVar variation 210145 (VCV000210145.15), dbSNP rs148498212, ClinGen allele CA205861.